The following is an entry in ClinVar:

NM_000443.4(ABCB4):c.697G>A (p.Val233Ile)

Gene: ABCB4 (ATP binding cassette subfamily B member 4; minus strand). Cytogenetic location: 7q21.12.
Variant type: single nucleotide variant.
Coding change: c.697G>A on transcript NM_000443.4 (MANE Select); coding-DNA position 697, G replaced by A.
Protein change: p.Val233Ile; replaces valine 233 with isoleucine.
Molecular consequence: missense variant.
Genome position (GRCh38, 1-based): chr7:87,451,634, C>T on the plus strand (G>A on the coding strand, the complement: ABCB4 is on the minus strand). VCF-style: chr7-87451634-C-T. GRCh37 (hg19) VCF-style: chr7-87080950-C-T.
Other names: c.697G>A, p.Val233Ile (NM_018849.3, NM_018850.3); short protein forms V233I.
Identifiers: ClinVar variation 912150 (VCV000912150.9), dbSNP rs774347020, ClinGen allele CA4327488.

ClinVar aggregate classification (germline): Uncertain significance. Review status: criteria provided, multiple submitters, no conflicts (2 of 4 stars). 4 submissions from 3 submitters: Uncertain significance (4). Last evaluated 2025-04-20.

Conditions:
Inborn genetic diseases. Identifiers: MedGen C0950123, MeSH D030342.
Cholestasis, intrahepatic, of pregnancy, 3. Identifiers: Orphanet 69665, MedGen C3554241, MONDO:0013995, OMIM 614972.
Progressive familial intrahepatic cholestasis type 3. Also called: MDR3 DEFICIENCY; Low Gamma-GT Familial Intrahepatic Cholestasis. Identifiers: Orphanet 79305, MedGen C1865643, MONDO:0011214, OMIM 602347.

Allele frequency attached by ClinVar (database versions not stated): ExAC 0.00002; gnomAD 0.00002; gnomAD exomes 0.00002 and 0.00003; TOPMed 0.00005.
gnomAD v4.1: 51 of 1,614,010 alleles (0.0032%); highest among the groups gnomAD compares: Admixed American, 0.015%; no homozygotes.

Submissions (4):

Ambry Genetics
Classification: Uncertain significance for Inborn genetic diseases. Last evaluated: 2025-04-20. Review status: criteria provided, single submitter. Criteria: Ambry Variant Classification Scheme 2023. Collection method: clinical testing. Allele origin: germline.

Labcorp Genetics (formerly Invitae), Labcorp
Classification: Uncertain significance. Last evaluated: 2021-08-14. Review status: criteria provided, single submitter. Criteria: Invitae Variant Classification Sherloc (09022015). Collection method: clinical testing. Allele origin: germline.
Comment: This sequence change replaces valine with isoleucine at codon 233 of the ABCB4 protein (p.Val233Ile). The valine residue is moderately conserved and there is a small physicochemical difference between valine and isoleucine. This variant is present in population databases (rs774347020, ExAC 0.02%). This variant has not been reported in the literature in individuals affected with ABCB4-related conditions. ClinVar contains an entry for this variant (Variation ID: 912150). Algorithms developed to predict the effect of missense changes on protein structure and function output the following: SIFT: "Tolerated"; PolyPhen-2: "Benign"; Align-GVGD: "Class C0". The isoleucine amino acid residue is found in multiple mammalian species, which suggests that this missense change does not adversely affect protein function. In summary, the available evidence is currently insufficient to determine the role of this variant in disease. Therefore, it has been classified as a Variant of Uncertain Significance.

Illumina Laboratory Services, Illumina
Classification: Uncertain significance for Progressive familial intrahepatic cholestasis type 3. Last evaluated: 2018-01-13. Review status: criteria provided, single submitter. Criteria: ICSL Variant Classification Criteria 13 December 2019. Collection method: clinical testing. Allele origin: germline.

Illumina Laboratory Services, Illumina
Classification: Uncertain significance for Cholestasis, intrahepatic, of pregnancy, 3. Last evaluated: 2018-01-13. Review status: criteria provided, single submitter. Criteria: ICSL Variant Classification Criteria 13 December 2019. Collection method: clinical testing. Allele origin: germline.